The following is an entry in ClinVar:

NM_000532.5(PCCB):c.1223del (p.Ile408fs)

Gene: PCCB (propionyl-CoA carboxylase subunit beta; plus strand). Cytogenetic location: 3q22.3.
Variant type: Deletion.
Coding change: c.1223del on transcript NM_000532.5 (MANE Select); coding-DNA position 1223, one base deleted (T; older notation c.1223delT).
Protein change: p.Ile408fs; shifts the reading frame from isoleucine 408.
Molecular consequence: frameshift variant.
Genome position (GRCh38, 1-based): chr3:136,327,179, T deleted. VCF-style (leftmost placement, unchanged base first): chr3-136327178-AT-A. GRCh37 (hg19) VCF-style: chr3-136046020-AT-A.
Other names: c.1283del, p.Ile428fs (NM_001178014.2); short protein forms I408fs, I428fs.
Identifiers: ClinVar variation 5010447 (VCV005010447.1), dbSNP rs758309460.

ClinVar aggregate classification (germline): Pathogenic (1 of 4 stars; one submission).

Conditions:
Propionic acidemia (PROP). Also called: GLYCINEMIA, KETOTIC; HYPERGLYCINEMIA WITH KETOACIDOSIS AND LEUKOPENIA; KETOTIC HYPERGLYCINEMIA. Identifiers: Orphanet 35, MedGen C0268579, MONDO:0011628, OMIM 606054, HP:0003571.

Allele frequency attached by ClinVar (database versions not stated): gnomAD 0.00024; ExAC 0.00006.

Submission:

Myriad Genetics, Inc.
Classification: Pathogenic for Propionic acidemia. Last evaluated: 2024-07-12. Review status: criteria provided, single submitter. Criteria: Myriad Autosomal Dominant, Autosomal Recessive and X-Linked Classification Criteria (2023). Collection method: clinical testing. Allele origin: unknown.
Comment: NM_000532.4(PCCB):c.1223delT(I408Tfs*35) is expected to be pathogenic in the context of PCCB-related propionic acidemia. This variant is predicted to lead to an abnormal or absent protein product due to the creation of a premature termination codon in PCCB, a gene where loss-of-function variants are known to be pathogenic. Please note: this variant was assessed in the context of healthy population screening.